The following is an entry in ClinVar:

NM_005324.5(H3-3B):c.68C>G (p.Thr23Arg)

Gene: H3-3B (H3.3 histone B; minus strand). Cytogenetic location: 17q25.1.
Variant type: single nucleotide variant.
Coding change: c.68C>G on transcript NM_005324.5 (MANE Select); coding-DNA position 68, C replaced by G.
Protein change: p.Thr23Arg; replaces threonine 23 with arginine.
Molecular consequence: missense variant.
Genome position (GRCh38, 1-based): chr17:75,779,107, G>C on the plus strand (C>G on the coding strand, the complement: H3-3B is on the minus strand). VCF-style: chr17-75779107-G-C. GRCh37 (hg19) VCF-style: chr17-73775188-G-C.
Other names: short protein forms T23R.
Identifiers: ClinVar variation 1697246 (VCV001697246.5), dbSNP rs2143631320, ClinGen allele CA401118461.

ClinVar aggregate classification (germline): Likely pathogenic (1 of 4 stars; one submission).

Conditions:
Bryant-Li-Bhoj neurodevelopmental syndrome 2 (BRYLIB2). Also called: H3-3B syndrome. Identifiers: MedGen C5676906, MONDO:0030607, OMIM 619721. Disease mechanism: loss of function.

Submission:

Institute of Human Genetics, University of Goettingen
Classification: Likely pathogenic for Bryant-Li-Bhoj neurodevelopmental syndrome 2. Last evaluated: 2023-01-31. Review status: criteria provided, single submitter. Criteria: ACMG Guidelines, 2015. Collection method: clinical testing. Allele origin: unknown. Inheritance: Sporadic. Observed: 1 heterozygote.
Comment: The variant c.68C>G (p.(Thr23Arg)) in exon 2 of the H3-3B-gene is not found in in the gnomAD database. Another nucleotide change resulting in another amino acid change at the same position was described as pathogenic (c.68C>A, p.(Thr23Lys); PMID: 34876591), although functional studies did not reveal a pathogenic influence of the published variant on protein function. The variant affects a highly conserved nucleotide, a highly conserved amino acid, there is a moderate physicochemical difference between Thr and Arg and the variant is located within a protein domain. This variant has a pathogenic computational verdict based on in silico prediction programs. Missense variants in H3-3B are a known mechanism of disease. Thus, we consider this H3-3B-variant a likely pathogenic variant. ACMG criteria used for classification: PM2, PM5, PM6, PP2, PP3.

Literature cited by the submitters: PubMed 34876591.